The following is an entry in ClinVar:

ClinVar aggregate classification (germline): Uncertain significance. Review status: criteria provided, multiple submitters, no conflicts (2 of 4 stars). 2 submissions from 2 submitters: Uncertain significance (2). Last evaluated 2022-07-21.

Allele frequency attached by ClinVar (database versions not stated): gnomAD 0.00001; TOPMed 0.00001; ExAC 0.00002; gnomAD exomes 0.00002.
gnomAD v4.1: 36 of 1,614,062 alleles (0.0022%); highest among the groups gnomAD compares: Non-Finnish European, 0.0031%; no homozygotes.

Submissions (2):

Labcorp Genetics (formerly Invitae), Labcorp
Classification: Uncertain significance. Last evaluated: 2022-07-21. Review status: criteria provided, single submitter. Criteria: Invitae Variant Classification Sherloc (09022015). Collection method: clinical testing. Allele origin: germline.
Comment: This sequence change replaces aspartic acid, which is acidic and polar, with tyrosine, which is neutral and polar, at codon 800 of the PDE6A protein (p.Asp800Tyr). This variant is present in population databases (rs765819449, gnomAD 0.004%). This variant has not been reported in the literature in individuals affected with PDE6A-related conditions. ClinVar contains an entry for this variant (Variation ID: 1008287). Algorithms developed to predict the effect of missense changes on protein structure and function are either unavailable or do not agree on the potential impact of this missense change (SIFT: "Deleterious"; PolyPhen-2: "Possibly Damaging"; Align-GVGD: "Class C0"). Algorithms developed to predict the effect of sequence changes on RNA splicing suggest that this variant may create or strengthen a splice site. In summary, the available evidence is currently insufficient to determine the role of this variant in disease. Therefore, it has been classified as a Variant of Uncertain Significance.

Blueprint Genetics
Classification: Uncertain significance. Last evaluated: 2019-11-22. Review status: criteria provided, single submitter. Criteria: ACMG Guidelines, 2015. Collection method: clinical testing. Allele origin: germline.

NM_000440.3(PDE6A):c.2398G>T (p.Asp800Tyr)

Gene: PDE6A (phosphodiesterase 6A; minus strand). Cytogenetic location: 5q32.
Variant type: single nucleotide variant.
Coding change: c.2398G>T on transcript NM_000440.3 (MANE Select); coding-DNA position 2398, G replaced by T.
Protein change: p.Asp800Tyr; replaces aspartic acid 800 with tyrosine.
Molecular consequence: missense variant.
Genome position (GRCh38, 1-based): chr5:149,863,227, C>A on the plus strand (G>T on the coding strand, the complement: PDE6A is on the minus strand). VCF-style: chr5-149863227-C-A. GRCh37 (hg19) VCF-style: chr5-149242790-C-A.
Other names: short protein forms D800Y.
Identifiers: ClinVar variation 1008287 (VCV001008287.7), dbSNP rs765819449, ClinGen allele CA3504286.